The following is an entry in ClinVar:

ClinVar aggregate classification (germline): Uncertain significance (1 of 4 stars; one submission).

Conditions:
Cardiovascular phenotype. Identifiers: MedGen CN230736.

Submission:

Ambry Genetics
Classification: Uncertain significance for Cardiovascular phenotype. Last evaluated: 2022-04-03. Review status: criteria provided, single submitter. Criteria: Ambry Variant Classification Scheme 2023. Collection method: clinical testing. Allele origin: germline.
Comment: The p.L3408P variant (also known as c.10223T>C), located in coding exon 41 of the AKAP9 gene, results from a T to C substitution at nucleotide position 10223. The leucine at codon 3408 is replaced by proline, an amino acid with similar properties. This amino acid position is conserved. In addition, this alteration is predicted to be tolerated by in silico analysis. Since supporting evidence is limited at this time, the clinical significance of this alteration remains unclear.

NM_005751.5(AKAP9):c.10223T>C (p.Leu3408Pro)

Gene: AKAP9 (A-kinase anchoring protein 9; plus strand). Cytogenetic location: 7q21.2.
Variant type: single nucleotide variant.
Coding change: c.10223T>C on transcript NM_005751.5 (MANE Select); coding-DNA position 10223, T replaced by C.
Protein change: p.Leu3408Pro; replaces leucine 3408 with proline.
Molecular consequence: missense variant.
Genome position (GRCh38, 1-based): chr7:92,097,182, T>C. VCF-style: chr7-92097182-T-C. GRCh37 (hg19) VCF-style: chr7-91726496-T-C.
Other names: c.4868T>C, p.Leu1623Pro (NM_001379277.1); c.10199T>C, p.Leu3400Pro (NM_147185.3); short protein forms L1623P, L3400P, L3408P.
Identifiers: ClinVar variation 1762499 (VCV001762499.2), dbSNP rs2535300986, ClinGen allele CA368154378.